The following is an entry in ClinVar:

ClinVar aggregate classification (germline): Benign/Likely benign. Review status: criteria provided, multiple submitters, no conflicts (2 of 4 stars). 4 submissions from 4 submitters: Benign (1); Likely benign (2). 1 of the submissions does not count toward it. Last evaluated 2025-11-21.

Conditions:
Hereditary cancer-predisposing syndrome. Also called: Hereditary Cancer Syndrome; Hereditary neoplastic syndrome; Neoplastic Syndromes, Hereditary; Tumor predisposition. Identifiers: Orphanet 140162, MedGen C0027672, MeSH D009386, MONDO:0015356.
Lung cancer. Also called: Malignant tumor of lung; Lung cancer, somatic. Identifiers: MedGen C0242379, MONDO:0008903, OMIM 211980.
EGFR-related lung cancer (EGFR). Identifiers: MedGen CN130014.

Allele frequency attached by ClinVar (database versions not stated): gnomAD exomes below 0.00001; gnomAD 0.00003; TOPMed 0.00003.
gnomAD v4.1: 5 of 1,613,946 alleles (0.00031%); highest among the groups gnomAD compares: African/African-American, 0.0053%; no homozygotes.

Submissions (4):

Labcorp Genetics (formerly Invitae), Labcorp
Classification: Likely benign for EGFR-related lung cancer. Last evaluated: 2025-11-21. Review status: criteria provided, single submitter. Criteria: Invitae Variant Classification Sherloc (09022015). Collection method: clinical testing. Allele origin: germline.

Ambry Genetics
Classification: Likely benign for Hereditary cancer-predisposing syndrome. Last evaluated: 2025-01-14. Review status: criteria provided, single submitter. Criteria: Ambry Variant Classification Scheme 2023. Collection method: clinical testing. Allele origin: germline.

Myriad Genetics, Inc.
Classification: Benign for Lung cancer. Last evaluated: 2024-10-17. Review status: criteria provided, single submitter. Criteria: Myriad Autosomal Dominant, Autosomal Recessive and X-Linked Classification Criteria (2023). Collection method: clinical testing. Allele origin: unknown.
Comment: This variant is considered benign. This variant is a silent/synonymous amino acid change and it is not expected to impact splicing.

Laboratory for Molecular Medicine, Mass General Brigham Personalized Medicine
Classification: Likely benign. Last evaluated: 2008-03-01. Review status: no assertion criteria provided. Collection method: clinical testing. Allele origin: somatic. Observed: 1 variant allele. Not counted in ClinVar's aggregate classification.

NM_005228.5(EGFR):c.2572C>T (p.Leu858=)

Gene: EGFR (epidermal growth factor receptor; plus strand). Cytogenetic location: 7p11.2.
Variant type: single nucleotide variant.
Coding change: c.2572C>T on transcript NM_005228.5 (MANE Select); coding-DNA position 2572, C replaced by T.
Protein change: p.Leu858=; no amino-acid change (leucine 858 retained).
Molecular consequence: synonymous variant.
Genome position (GRCh38, 1-based): chr7:55,191,821, C>T. VCF-style: chr7-55191821-C-T. GRCh37 (hg19) VCF-style: chr7-55259514-C-T.
Other names: c.2437C>T, p.Leu813= (NM_001346897.2, NM_001346899.2); c.2572C>T, p.Leu858= (NM_001346898.2); c.2413C>T, p.Leu805= (NM_001346900.2); c.1771C>T, p.Leu591= (NM_001346941.2).
Identifiers: ClinVar variation 45284 (VCV000045284.14), dbSNP rs121913443, ClinGen allele CA135933.